The following is an entry in ClinVar:

ClinVar aggregate classification (germline): Conflicting classifications of pathogenicity. Review status: criteria provided, conflicting classifications (1 of 4 stars). 2 submissions from 2 submitters: Uncertain significance (1); Likely benign (1). Last evaluated 2026-06-01.

Conditions:
Hereditary cancer-predisposing syndrome. Also called: Tumor predisposition; Hereditary neoplastic syndrome; Neoplastic Syndromes, Hereditary; Hereditary Cancer Syndrome. Identifiers: Orphanet 140162, MedGen C0027672, MeSH D009386, MONDO:0015356.
Tuberous sclerosis 2 (TSC2). Identifiers: Orphanet 805, MedGen C1860707, MONDO:0013199, OMIM 613254.

Allele frequency attached by ClinVar (database versions not stated): ESP Exome Variant Server 0.00008.

Submissions (2):

Ambry Genetics
Classification: Uncertain significance for Hereditary cancer-predisposing syndrome. Last evaluated: 2026-06-01. Review status: criteria provided, single submitter. Criteria: Ambry Variant Classification Scheme 2023. Collection method: clinical testing. Allele origin: germline.
Comment: The c.5139C>A variant (also known as p.R1713R), located in coding exon 39 of the TSC2 gene, results from a C to A substitution at nucleotide position 5139. This nucleotide substitution does not change the arginine at codon 1713. This nucleotide position is not well conserved in available vertebrate species. In silico splice site analysis for this alteration is inconclusive. Based on the available evidence, the clinical significance of this variant remains unclear.

Labcorp Genetics (formerly Invitae), Labcorp
Classification: Likely benign for Tuberous sclerosis 2. Last evaluated: 2022-11-07. Review status: criteria provided, single submitter. Criteria: Invitae Variant Classification Sherloc (09022015). Collection method: clinical testing. Allele origin: germline.

NM_000548.5(TSC2):c.5139C>A (p.Arg1713=)

Gene: TSC2 (TSC complex subunit 2; plus strand). Cytogenetic location: 16p13.3.
Variant type: single nucleotide variant.
Coding change: c.5139C>A on transcript NM_000548.5 (MANE Select); coding-DNA position 5139, C replaced by A.
Protein change: p.Arg1713=; no amino-acid change (arginine 1713 retained).
Molecular consequence: synonymous variant. On other transcripts: non-coding transcript variant (5).
Genome position (GRCh38, 1-based): chr16:2,088,118, C>A. VCF-style: chr16-2088118-C-A. GRCh37 (hg19) VCF-style: chr16-2138119-C-A.
Other names: c.4938C>A, p.Arg1646= (NM_001077183.3); c.5070C>A, p.Arg1690= (NM_001114382.3); c.4830C>A, p.Arg1610= (NM_001318827.2); c.4794C>A, p.Arg1598= (NM_001318829.2); c.4407C>A, p.Arg1469= (NM_001318831.2); c.4971C>A, p.Arg1657= (NM_001318832.2); c.4941C>A, p.Arg1647= (NM_001363528.2); c.5007C>A, p.Arg1669= (NM_001370404.1); and 26 more.
Identifiers: ClinVar variation 2812494 (VCV002812494.4), dbSNP rs144994814, ClinGen allele CA276759019.
Genomic context (GRCh38, chr16:2,088,118, plus strand): 5'-CCTTGTGGACACCAGCGTGGCCAAGATCGTGTCTGACCGCAACCTGCCCTTCGTGGCCCG[C>A]CAGATGGCCCTGCACGCAAATGTGAGTGGGGGTGGGTCCAGGCGTGAGCTGGTGGGACAG-3'
Protein context (NP_000539.2, residues 1703-1723): VSDRNLPFVA[Arg1713=]QMALHANMAS